The following is an entry in ClinVar:

ClinVar aggregate classification (germline): Uncertain significance (1 of 4 stars; one submission).

Submission:

Labcorp Genetics (formerly Invitae), Labcorp
Classification: Uncertain significance. Last evaluated: 2022-04-28. Review status: criteria provided, single submitter. Criteria: Invitae Variant Classification Sherloc (09022015). Collection method: clinical testing. Allele origin: germline.
Comment: In summary, the available evidence is currently insufficient to determine the role of this variant in disease. Therefore, it has been classified as a Variant of Uncertain Significance. This sequence change replaces isoleucine, which is neutral and non-polar, with threonine, which is neutral and polar, at codon 7 of the IDH3A protein (p.Ile7Thr). This variant is not present in population databases (gnomAD no frequency). This variant has not been reported in the literature in individuals affected with IDH3A-related conditions. Algorithms developed to predict the effect of missense changes on protein structure and function (SIFT, PolyPhen-2, Align-GVGD) all suggest that this variant is likely to be tolerated.

NM_005530.3(IDH3A):c.20T>C (p.Ile7Thr)

Genes: IDH3A (isocitrate dehydrogenase (NAD(+)) 3 catalytic subunit alpha; plus strand), LOC130057684 (ATAC-STARR-seq lymphoblastoid silent region 6706; plus strand). Cytogenetic location: 15q25.1.
Variant type: single nucleotide variant.
Coding change: c.20T>C on transcript NM_005530.3 (MANE Select); coding-DNA position 20, T replaced by C.
Protein change: p.Ile7Thr; replaces isoleucine 7 with threonine.
Molecular consequence: missense variant.
Genome position (GRCh38, 1-based): chr15:78,149,423, T>C. VCF-style: chr15-78149423-T-C. GRCh37 (hg19) VCF-style: chr15-78441765-T-C.
Other names: short protein forms I7T.
Identifiers: ClinVar variation 1925816 (VCV001925816.5), dbSNP rs2548830295, ClinGen allele CA393554869.